The following is an entry in ClinVar:

NM_001042492.3(NF1):c.7870-10A>G

Gene: NF1 (neurofibromin 1; plus strand). Cytogenetic location: 17q11.2.
Variant type: single nucleotide variant.
Coding change: c.7870-10A>G on transcript NM_001042492.3 (MANE Select); 10 bases into the intron before coding-DNA position 7870, A replaced by G.
Molecular consequence: intron variant.
Genome position (GRCh38, 1-based): chr17:31,357,259, A>G. VCF-style: chr17-31357259-A-G. GRCh37 (hg19) VCF-style: chr17-29684277-A-G.
Other names: c.7807-10A>G (NM_000267.4).
Identifiers: ClinVar variation 701431 (VCV000701431.8), dbSNP rs1597866772, ClinGen allele CA915949908.

ClinVar aggregate classification (germline): Likely benign. Review status: criteria provided, multiple submitters, no conflicts (2 of 4 stars). 2 submissions from 2 submitters: Likely benign (2). Last evaluated 2026-05-14.

Conditions:
Neurofibromatosis, type 1 (NF1). Also called: Neurofibromatosis, type I; VON RECKLINGHAUSEN DISEASE; NEUROFIBROMATOSIS, TYPE I, SOMATIC; Peripheral type neurofibromatosis. Identifiers: Orphanet 636, MedGen C0027831, MONDO:0018975, OMIM 162200. Disease mechanism: loss of function.

Allele frequency attached by ClinVar (database versions not stated): gnomAD exomes below 0.00001.
gnomAD v4.1: 1 of 1,613,100 alleles (0.000062%); highest among the groups gnomAD compares: Non-Finnish European, 0.000085%; no homozygotes.

Submissions (2):

Myriad Genetics, Inc.
Classification: Likely benign for Neurofibromatosis, type 1. Last evaluated: 2026-05-14. Review status: criteria provided, single submitter. Criteria: Myriad Autosomal Dominant, Autosomal Recessive and X-Linked Classification Criteria (2023). Collection method: clinical testing. Allele origin: unknown.
Comment: This variant is considered likely benign. This variant is intronic and is not expected to impact mRNA splicing.

Labcorp Genetics (formerly Invitae), Labcorp
Classification: Likely benign for Neurofibromatosis, type 1. Last evaluated: 2025-06-16. Review status: criteria provided, single submitter. Criteria: Invitae Variant Classification Sherloc (09022015). Collection method: clinical testing. Allele origin: germline.